The following is an entry in ClinVar:

NM_000182.5(HADHA):c.1519_1520insCTTT (p.Gln507fs)

Genes: GAREM2 (GRB2 associated regulator of MAPK1 subtype 2; plus strand), HADHA (hydroxyacyl-CoA dehydrogenase trifunctional multienzyme complex subunit alpha; minus strand). Cytogenetic location: 2p23.3.
Variant type: Insertion.
Coding change: c.1519_1520insCTTT on transcript NM_000182.5 (MANE Select); coding-DNA positions 1519 to 1520, CTTT inserted.
Protein change: p.Gln507fs; shifts the reading frame from glutamine 507.
Molecular consequence: frameshift variant.
Genome position: GRCh38 VCF-style: chr2-26195192-T-TAAAG. GRCh37 (hg19) VCF-style: chr2-26418061-T-TAAAG.
Other names: short protein forms Q507fs.
Identifiers: ClinVar variation 1725474 (VCV001725474.3), dbSNP rs2465517691, ClinGen allele CA2580066178.

ClinVar aggregate classification (germline): Likely pathogenic (1 of 4 stars; one submission).

Conditions:
Long chain 3-hydroxyacyl-CoA dehydrogenase deficiency. Also called: LCHAD Deficiency; Deficiency of long-chain 3-hydroxyacyl-coenzyme A dehydrogenase. Identifiers: Orphanet 5, MedGen C3711645, MONDO:0012173, OMIM 609016.

Submission:

Myriad Genetics, Inc.
Classification: Likely pathogenic for Long chain 3-hydroxyacyl-CoA dehydrogenase deficiency. Last evaluated: 2022-03-27. Review status: criteria provided, single submitter. Criteria: Myriad Autosomal Dominant, Autosomal Recessive and X-Linked Classification Criteria (2023). Collection method: clinical testing. Allele origin: unknown.
Comment: NM_000182.4(HADHA):c.1519_1520insCTTT(Q507Pfs*35) is expected to be pathogenic in the context of HADHA-related disorders. This variant is predicted to lead to an abnormal or absent protein product due to the creation of a premature termination codon in HADHA, a gene where loss-of-function variants are known to be pathogenic. Please note: this variant was assessed in the context of healthy population screening.